The following is an entry in ClinVar:

ClinVar aggregate classification (germline): Likely benign. Review status: criteria provided, multiple submitters, no conflicts (2 of 4 stars). 3 submissions from 3 submitters: Likely benign (2). 1 of the submissions does not count toward it. Last evaluated 2025-12-24.

Conditions:
KLB-related disorder. Also called: KLB-related condition.

Allele frequency attached by ClinVar (database versions not stated): 1000 Genomes Project 0.00060; 1000 Genomes Project 30x 0.00062; TOPMed 0.00254; gnomAD 0.00269 and 0.00284; ESP Exome Variant Server 0.00300; gnomAD exomes 0.00331; ExAC 0.00360.

Submissions (3):

Labcorp Genetics (formerly Invitae), Labcorp
Classification: Likely benign. Last evaluated: 2025-12-24. Review status: criteria provided, single submitter. Criteria: Invitae Variant Classification Sherloc (09022015). Collection method: clinical testing. Allele origin: germline.

Breakthrough Genomics
Classification: Likely benign. Review status: criteria provided, single submitter. Criteria: ACMG Guidelines, 2015. Collection method: not provided. Allele origin: germline. Inheritance: Unknown mechanism. Affected: yes.

PreventionGenetics, part of Exact Sciences
Classification: Likely benign for KLB-related condition. Last evaluated: 2020-06-01. Review status: no assertion criteria provided. Collection method: clinical testing. Allele origin: germline. Not counted in ClinVar's aggregate classification.
Comment: This variant is classified as likely benign based on ACMG/AMP sequence variant interpretation guidelines (Richards et al. 2015 PMID: 25741868, with internal and published modifications).

NM_175737.4(KLB):c.3124G>A (p.Val1042Ile)

Gene: KLB (klotho beta; plus strand). Cytogenetic location: 4p14.
Variant type: single nucleotide variant.
Coding change: c.3124G>A on transcript NM_175737.4 (MANE Select); coding-DNA position 3124, G replaced by A.
Protein change: p.Val1042Ile; replaces valine 1042 with isoleucine.
Molecular consequence: missense variant.
Genome position (GRCh38, 1-based): chr4:39,448,675, G>A. VCF-style: chr4-39448675-G-A. GRCh37 (hg19) VCF-style: chr4-39450295-G-A.
Other names: short protein forms V1042I.
Identifiers: ClinVar variation 719953 (VCV000719953.12), dbSNP rs143809363, ClinGen allele CA2894173.